The following is an entry in ClinVar:

NM_020070.4(IGLL1):c.374A>G (p.Glu125Gly)

Gene: IGLL1 (immunoglobulin lambda like polypeptide 1; minus strand). Cytogenetic location: 22q11.23.
Variant type: single nucleotide variant.
Coding change: c.374A>G on transcript NM_020070.4 (MANE Select); coding-DNA position 374, A replaced by G.
Protein change: p.Glu125Gly; replaces glutamic acid 125 with glycine.
Molecular consequence: missense variant. On other transcripts: 3 prime UTR variant (1).
Genome position (GRCh38, 1-based): chr22:23,573,534, T>C on the plus strand (A>G on the coding strand, the complement: IGLL1 is on the minus strand). VCF-style: chr22-23573534-T-C. GRCh37 (hg19) VCF-style: chr22-23915721-T-C.
Other names: c.377A>G, p.Glu126Gly (NM_001369906.1); c.*3A>G (NM_152855.3); short protein forms E126G, E125G.
Identifiers: ClinVar variation 4768729 (VCV004768729.1).

ClinVar aggregate classification (germline): Uncertain significance (1 of 4 stars; one submission).

Conditions:
Agammaglobulinemia 2, autosomal recessive (AGM2). Also called: AGAMMAGLOBULINEMIA, AUTOSOMAL RECESSIVE, DUE TO IGLL1 DEFECT. Identifiers: MedGen C3150750, MONDO:0013287, OMIM 613500.

Submission:

Labcorp Genetics (formerly Invitae), Labcorp
Classification: Uncertain significance for Agammaglobulinemia 2, autosomal recessive. Last evaluated: 2025-04-03. Review status: criteria provided, single submitter. Criteria: Invitae Variant Classification Sherloc (09022015). Collection method: clinical testing. Allele origin: germline.
Comment: This sequence change replaces glutamic acid, which is acidic and polar, with glycine, which is neutral and non-polar, at codon 125 of the IGLL1 protein (p.Glu125Gly). This variant is not present in population databases (gnomAD no frequency). This variant has not been reported in the literature in individuals affected with IGLL1-related conditions. An algorithm developed to predict the effect of missense changes on protein structure and function (PolyPhen-2) suggests that this variant is likely to be disruptive. In summary, the available evidence is currently insufficient to determine the role of this variant in disease. Therefore, it has been classified as a Variant of Uncertain Significance.